The following is an entry in ClinVar:

NM_001348913.2(DYNC2LI1):c.997G>C (p.Ala333Pro)

Genes: DYNC2LI1 (dynein cytoplasmic 2 light intermediate chain 1; plus strand), ABCG5 (ATP binding cassette subfamily G member 5; minus strand). Cytogenetic location: 2p21.
Variant type: single nucleotide variant.
Coding change: c.997G>C on transcript NM_001348913.2; coding-DNA position 997, G replaced by C.
Protein change: p.Ala333Pro; replaces alanine 333 with proline.
Molecular consequence: missense variant.
Genome position (GRCh38, 1-based): chr2:43,810,381, G>C. VCF-style: chr2-43810381-G-C. GRCh37 (hg19) VCF-style: chr2-44037520-G-C.
Other names: c.994G>C, p.Ala332Pro (NM_001348912.2); short protein forms A332P, A333P.
Identifiers: ClinVar variation 3035780 (VCV003035780.2), dbSNP rs186836054, ClinGen allele CA46447641.

ClinVar aggregate classification (germline): Benign (0 of 4 stars; one submission).

Conditions:
DYNC2LI1-related disorder. Also called: DYNC2LI1-related condition.

Allele frequency attached by ClinVar (database versions not stated): 1000 Genomes Project 0.00180; 1000 Genomes Project 30x 0.00219; gnomAD exomes 0.00005; gnomAD 0.00042.
gnomAD v4.1: 125 of 985,270 alleles (0.013%); highest among the groups gnomAD compares: East Asian, 1%; no homozygotes.

Submission:

PreventionGenetics, part of Exact Sciences
Classification: Benign for DYNC2LI1-related condition. Last evaluated: 2019-08-09. Review status: no assertion criteria provided. Collection method: clinical testing. Allele origin: germline.
Comment: This variant is classified as benign based on ACMG/AMP sequence variant interpretation guidelines (Richards et al. 2015 PMID: 25741868, with internal and published modifications).